The following is an entry in ClinVar:

ClinVar aggregate classification (germline): Pathogenic. Review status: criteria provided, multiple submitters, no conflicts (2 of 4 stars). 5 submissions from 5 submitters: Pathogenic (5). Last evaluated 2024-05-06.

Conditions:
Leber congenital amaurosis 2 (LCA2). Also called: Autosomal Recessive RPE65-Related Retinal Degeneration; AMAUROSIS CONGENITA OF LEBER II. Identifiers: Orphanet 65, MedGen C1859844, MONDO:0008765, OMIM 204100. Disease mechanism: loss of function.
Retinitis pigmentosa 20 (RP20). Identifiers: Orphanet 791, MedGen C3151086, MONDO:0013425, OMIM 613794.
Retinitis pigmentosa (RP). Identifiers: Orphanet 791, MedGen C0035334, MeSH D012174, MONDO:0019200, OMIM 268000. Inheritance: Autosomal dominant, autosomal recessive and X linked inheritance.
Retinal dystrophy. Also called: Inherited retinal dystrophy. Identifiers: Orphanet 71862, MedGen C0854723, MeSH D058499, MONDO:0019118, HP:0000556.
Congenital isolated adrenocorticotropic hormone deficiency. Also called: ACTH DEFICIENCY, ISOLATED; ACTH deficiency; Adrenocorticotropic hormone deficiency. Identifiers: Orphanet 199296, MedGen C0342388, MONDO:0008720, OMIM 201400, HP:0011748.

Submissions (5):

Labcorp Genetics (formerly Invitae), Labcorp
Classification: Pathogenic for Leber congenital amaurosis 2; Retinitis pigmentosa 20. Last evaluated: 2024-05-06. Review status: criteria provided, single submitter. Criteria: Invitae Variant Classification Sherloc (09022015). Collection method: clinical testing. Allele origin: germline.
Comment: This sequence change creates a premature translational stop signal (p.Tyr275*) in the RPE65 gene. It is expected to result in an absent or disrupted protein product. Loss-of-function variants in RPE65 are known to be pathogenic (PMID: 9326941, 9501220, 9843205, 18632300). This variant is not present in population databases (gnomAD no frequency). This premature translational stop signal has been observed in individuals with inherited retinal dystrophy (PMID: 30576320, 31273949, 31630094). ClinVar contains an entry for this variant (Variation ID: 587393). Algorithms developed to predict the effect of sequence changes on RNA splicing suggest that this variant may disrupt the consensus splice site. For these reasons, this variant has been classified as Pathogenic.

Baylor Genetics
Classification: Pathogenic for Leber congenital amaurosis 2. Last evaluated: 2024-01-08. Review status: criteria provided, single submitter. Criteria: ACMG Guidelines, 2015. Collection method: clinical testing. Allele origin: unknown.

Institute of Medical Genetics and Applied Genomics, University Hospital Tübingen
Classification: Pathogenic for Retinitis pigmentosa. Last evaluated: 2021-10-25. Review status: criteria provided, single submitter. Criteria: ACMG Guidelines, 2015. Collection method: clinical testing. Allele origin: germline. Inheritance: Autosomal recessive inheritance. Affected: yes.

Institute of Human Genetics, Univ. Regensburg, Univ. Regensburg
Classification: Pathogenic for Retinal dystrophy. Last evaluated: 2019-01-01. Review status: criteria provided, single submitter. Criteria: ACMG Guidelines, 2015. Collection method: clinical testing. Allele origin: germline. Affected: yes.

Molecular Genetics Laboratory, Institute for Ophthalmic Research
Classification: Pathogenic for Congenital isolated adrenocorticotropic hormone deficiency. Last evaluated: 2018-08-21. Review status: criteria provided, single submitter. Criteria: ACMG Guidelines, 2015. Collection method: research. Allele origin: germline. Affected: yes.

Literature cited by the submitters: PubMed 9326941 (cited by Labcorp Genetics (formerly Invitae), Labcorp); PubMed 9501220 (cited by Labcorp Genetics (formerly Invitae), Labcorp); PubMed 9843205 (cited by Labcorp Genetics (formerly Invitae), Labcorp); PubMed 18632300 (cited by Labcorp Genetics (formerly Invitae), Labcorp); PubMed 30576320 (cited by 3 submitters); PubMed 31273949 (cited by Labcorp Genetics (formerly Invitae), Labcorp); PubMed 31630094 (cited by Labcorp Genetics (formerly Invitae), Labcorp).

NM_000329.3(RPE65):c.825C>G (p.Tyr275Ter)

Gene: RPE65 (retinoid isomerohydrolase RPE65; minus strand). Cytogenetic location: 1p31.3.
Variant type: single nucleotide variant.
Coding change: c.825C>G on transcript NM_000329.3 (MANE Select); coding-DNA position 825, C replaced by G.
Protein change: p.Tyr275Ter; replaces tyrosine 275 with a stop codon.
Molecular consequence: nonsense.
Genome position (GRCh38, 1-based): chr1:68,439,224, G>C on the plus strand (C>G on the coding strand, the complement: RPE65 is on the minus strand). VCF-style: chr1-68439224-G-C. GRCh37 (hg19) VCF-style: chr1-68904907-G-C.
Other names: short protein forms Y275*.
Identifiers: ClinVar variation 587393 (VCV000587393.10), dbSNP rs988133284, ClinGen allele CA340745589.